The following is an entry in ClinVar:

NM_003072.5(SMARCA4):c.2036C>G (p.Pro679Arg)

Gene: SMARCA4 (SWI/SNF related BAF chromatin remodeling complex subunit ATPase 4; plus strand). Cytogenetic location: 19p13.2.
Variant type: single nucleotide variant.
Coding change: c.2036C>G on transcript NM_003072.5 (MANE Select); coding-DNA position 2036, C replaced by G.
Protein change: p.Pro679Arg; replaces proline 679 with arginine.
Molecular consequence: missense variant. On other transcripts: non-coding transcript variant (1).
Genome position (GRCh38, 1-based): chr19:11,007,936, C>G. VCF-style: chr19-11007936-C-G. GRCh37 (hg19) VCF-style: chr19-11118612-C-G.
Other names: c.2036C>G, p.Pro679Arg (NM_001128844.3, NM_001128845.2, NM_001128846.2 and 5 more transcripts); short protein forms P679R.
Identifiers: ClinVar variation 484862 (VCV000484862.15), dbSNP rs1555771583, ClinGen allele CA404052440.
Genomic context (GRCh38, chr19:11,007,936, plus strand): 5'-GGTGACATGGGCTTGTCTCTTGGTAGGAGGAGGAGGAAGAGCAGCCGCAGGCAGCACAGC[C>G]TCCCACCCTGCCCGTGGAGGAGAAGAAGAAGATTCCAGATCCAGACAGCGATGACGTCTC-3'
Protein context (NP_003063.2, residues 669-689): EEEEQPQAAQ[Pro679Arg]PTLPVEEKKK

ClinVar aggregate classification (germline): Uncertain significance. Review status: criteria provided, multiple submitters, no conflicts (2 of 4 stars). 3 submissions from 3 submitters: Uncertain significance (3). Last evaluated 2023-06-02.

Conditions:
Rhabdoid tumor predisposition syndrome 2 (RTPS2). Identifiers: Orphanet 231108, Orphanet 69077, MedGen C2750074, MONDO:0013224, OMIM 613325.
Intellectual disability, autosomal dominant 16 (CSS4). Also called: COFFIN-SIRIS SYNDROME 4. Identifiers: Orphanet 1465, MedGen C3553249, MONDO:0013821, OMIM 614609.
Hereditary cancer-predisposing syndrome. Also called: Neoplastic Syndromes, Hereditary; Tumor predisposition; Hereditary Cancer Syndrome; Hereditary neoplastic syndrome. Identifiers: Orphanet 140162, MedGen C0027672, MeSH D009386, MONDO:0015356.

Allele frequency attached by ClinVar (database versions not stated): gnomAD exomes below 0.00001.
gnomAD v4.1: 1 of 1,613,770 alleles (0.000062%); highest among the groups gnomAD compares: Non-Finnish European, 0.000085%; no homozygotes.

Submissions (3):

Ambry Genetics
Classification: Uncertain significance for Hereditary cancer-predisposing syndrome. Last evaluated: 2023-06-02. Review status: criteria provided, single submitter. Criteria: Ambry Variant Classification Scheme 2023. Collection method: clinical testing. Allele origin: germline.
Comment: The p.P679R variant (also known as c.2036C>G), located in coding exon 13 of the SMARCA4 gene, results from a C to G substitution at nucleotide position 2036. The proline at codon 679 is replaced by arginine, an amino acid with dissimilar properties. This amino acid position is well conserved in available vertebrate species. In addition, the in silico prediction for this alteration is inconclusive. Missense and in-frame variants in SMARCA4 are known to cause neurodevelopmental disorders; however, such associations with rhabdoid tumor predisposition syndrome including small cell carcinoma of the ovary-hypercalcemic type (SCCOHT) are exceedingly rare (Kosho T et al. Am J Med Genet C Semin Med Genet. 2014 Sep;166C(3):262-75; Jelinic P et al. Nat Genet. 2014 May;46(5):424-6). Based on the supporting evidence, the association of this alteration with Coffin-Siris syndrome is unknown; however, the association of this alteration with rhabdoid tumor predisposition syndrome is unlikely.

Labcorp Genetics (formerly Invitae), Labcorp
Classification: Uncertain significance for Rhabdoid tumor predisposition syndrome 2. Last evaluated: 2022-10-20. Review status: criteria provided, single submitter. Criteria: Invitae Variant Classification Sherloc (09022015). Collection method: clinical testing. Allele origin: germline.
Comment: This sequence change replaces proline, which is neutral and non-polar, with arginine, which is basic and polar, at codon 679 of the SMARCA4 protein (p.Pro679Arg). This variant is not present in population databases (gnomAD no frequency). This variant has not been reported in the literature in individuals affected with SMARCA4-related conditions. ClinVar contains an entry for this variant (Variation ID: 484862). Advanced modeling of protein sequence and biophysical properties (such as structural, functional, and spatial information, amino acid conservation, physicochemical variation, residue mobility, and thermodynamic stability) performed at Invitae indicates that this missense variant is not expected to disrupt SMARCA4 protein function. In summary, the available evidence is currently insufficient to determine the role of this variant in disease. Therefore, it has been classified as a Variant of Uncertain Significance.

Genome-Nilou Lab
Classification: Uncertain significance for Intellectual disability, autosomal dominant 16. Last evaluated: 2021-07-15. Review status: criteria provided, single submitter. Criteria: ACMG Guidelines, 2015. Collection method: clinical testing. Allele origin: germline. Affected: no.